The following is an entry in ClinVar:

NM_000321.3(RB1):c.254A>G (p.Asp85Gly)

Gene: RB1 (RB transcriptional corepressor 1; plus strand). Cytogenetic location: 13q14.2.
Variant type: single nucleotide variant.
Coding change: c.254A>G on transcript NM_000321.3 (MANE Select); coding-DNA position 254, A replaced by G.
Protein change: p.Asp85Gly; replaces aspartic acid 85 with glycine.
Molecular consequence: missense variant.
Genome position (GRCh38, 1-based): chr13:48,307,396, A>G. VCF-style: chr13-48307396-A-G. GRCh37 (hg19) VCF-style: chr13-48881532-A-G.
Other names: short protein forms D85G.
Identifiers: ClinVar variation 856016 (VCV000856016.10), dbSNP rs1952090656, ClinGen allele CA388250679.

ClinVar aggregate classification (germline): Uncertain significance (1 of 4 stars; one submission).

Conditions:
Retinoblastoma (RB1). Also called: RETINOBLASTOMA, SOMATIC. Identifiers: Orphanet 790, MedGen C0035335, MeSH D012175, MONDO:0008380, OMIM 180200, HP:0009919. Disease mechanism: loss of function. Inheritance: Both sporadic and heritable forms are tested..

Submission:

Labcorp Genetics (formerly Invitae), Labcorp
Classification: Uncertain significance for Retinoblastoma. Last evaluated: 2019-12-15. Review status: criteria provided, single submitter. Criteria: Invitae Variant Classification Sherloc (09022015). Collection method: clinical testing. Allele origin: germline.
Comment: This sequence change replaces aspartic acid with glycine at codon 85 of the RB1 protein (p.Asp85Gly). The aspartic acid residue is highly conserved and there is a moderate physicochemical difference between aspartic acid and glycine. This variant is not present in population databases (ExAC no frequency). This variant has not been reported in the literature in individuals with RB1-related conditions. Algorithms developed to predict the effect of missense changes on protein structure and function (SIFT, PolyPhen-2, Align-GVGD) all suggest that this variant is likely to be tolerated, but these predictions have not been confirmed by published functional studies and their clinical significance is uncertain. In summary, the available evidence is currently insufficient to determine the role of this variant in disease. Therefore, it has been classified as a Variant of Uncertain Significance.